The following is an entry in ClinVar:

ClinVar aggregate classification (germline): Uncertain significance (1 of 4 stars; one submission).

Allele frequency attached by ClinVar (database versions not stated): gnomAD exomes below 0.00001; TOPMed below 0.00001.
gnomAD v4.1: 1 of 1,613,826 alleles (0.000062%); highest among the groups gnomAD compares: Non-Finnish European, 0.000085%; no homozygotes.

Submission:

GeneDx
Classification: Uncertain significance. Last evaluated: 2026-09-05. Review status: criteria provided, single submitter. Criteria: GeneDx Variant Classification Process June 2021. Collection method: clinical testing. Allele origin: germline.
Comment: Not observed at significant frequency in large population cohorts (gnomAD); In silico analysis supports that this missense variant has a deleterious effect on protein structure/function; Has not been previously published as pathogenic or benign to our knowledge

NM_001371623.1(TCOF1):c.2977A>G (p.Thr993Ala)

Gene: TCOF1 (treacle ribosome biogenesis factor 1; plus strand). Cytogenetic location: 5q32.
Variant type: single nucleotide variant.
Coding change: c.2977A>G on transcript NM_001371623.1 (MANE Select); coding-DNA position 2977, A replaced by G.
Protein change: p.Thr993Ala; replaces threonine 993 with alanine.
Molecular consequence: missense variant.
Genome position (GRCh38, 1-based): chr5:150,388,019, A>G. VCF-style: chr5-150388019-A-G. GRCh37 (hg19) VCF-style: chr5-149767582-A-G.
Other names: c.2746A>G, p.Thr916Ala (NM_000356.4, NM_001135245.2); c.2977A>G, p.Thr993Ala (NM_001135243.2, NM_001135244.2, NM_001195141.2); short protein forms T916A, T993A.
Identifiers: ClinVar variation 3252421 (VCV003252421.2), dbSNP rs1444877651.
Genomic context (GRCh38, chr5:150,388,019, plus strand): 5'-GCTACACCCGCACAAGCCCAGGCTGCAAGCACCCCGAGGAAGGCCCGAGCCTCGGAGAGC[A>G]CAGCCAGGAGCTCCTCCTCCGAGAGCGAGGATGAGGACGTGATCCCCGCTACACAGTGCT-3'
Protein context (NP_001358552.1, residues 983-1003): TPRKARASES[Thr993Ala]ARSSSSESED